The following is an entry in ClinVar:

NM_022436.3(ABCG5):c.1189G>T (p.Gly397Cys)

Genes: ABCG5 (ATP binding cassette subfamily G member 5; minus strand), DYNC2LI1 (dynein cytoplasmic 2 light intermediate chain 1; plus strand). Cytogenetic location: 2p21.
Variant type: single nucleotide variant.
Coding change: c.1189G>T on transcript NM_022436.3 (MANE Select); coding-DNA position 1189, G replaced by T.
Protein change: p.Gly397Cys; replaces glycine 397 with cysteine.
Molecular consequence: missense variant. On other transcripts: intron variant (2).
Genome position (GRCh38, 1-based): chr2:43,824,048, C>A on the plus strand (G>T on the coding strand, the complement: ABCG5 is on the minus strand). VCF-style: chr2-43824048-C-A. GRCh37 (hg19) VCF-style: chr2-44051187-C-A.
Other names: c.*16-3338C>A (NM_001348913.2, NM_001348912.2); short protein forms G397C.
Identifiers: ClinVar variation 3726997 (VCV003726997.2).

ClinVar aggregate classification (germline): Uncertain significance (1 of 4 stars; one submission).

Conditions:
Sitosterolemia (STSL). Also called: PHYTOSTEROLEMIA. Identifiers: Orphanet 2882, MedGen C0342907, MONDO:0008863.

Submission:

Labcorp Genetics (formerly Invitae), Labcorp
Classification: Uncertain significance for Sitosterolemia. Last evaluated: 2024-12-10. Review status: criteria provided, single submitter. Criteria: Invitae Variant Classification Sherloc (09022015). Collection method: clinical testing. Allele origin: germline.
Comment: This sequence change replaces glycine, which is neutral and non-polar, with cysteine, which is neutral and slightly polar, at codon 397 of the ABCG5 protein (p.Gly397Cys). This variant is not present in population databases (gnomAD no frequency). This variant has not been reported in the literature in individuals affected with ABCG5-related conditions. An algorithm developed to predict the effect of missense changes on protein structure and function (PolyPhen-2) suggests that this variant is likely to be disruptive. Algorithms developed to predict the effect of sequence changes on RNA splicing suggest that this variant may create or strengthen a splice site. In summary, the available evidence is currently insufficient to determine the role of this variant in disease. Therefore, it has been classified as a Variant of Uncertain Significance.